The following is an entry in ClinVar:

ClinVar aggregate classification (germline): Pathogenic. Review status: criteria provided, multiple submitters, no conflicts (2 of 4 stars). 3 submissions from 3 submitters: Pathogenic (2). 1 of the submissions does not count toward it. Last evaluated 2022-12-31.

Conditions:
RHYNS syndrome. Also called: RETINITIS PIGMENTOSA SYNDROME; RETINITIS PIGMENTOSA, HYPOPITUITARISM, NEPHRONOPHTHISIS, AND MILD SKELETAL DYSPLASIA. Identifiers: Orphanet 140976, MedGen C1865794, MONDO:0011202, OMIM 602152.
Joubert syndrome 6 (JBTS6). Identifiers: Orphanet 475, MedGen C1853153, MONDO:0012539, OMIM 610688.
Nephronophthisis 11 (NPHP11). Identifiers: Orphanet 84081, MedGen C3150796, MONDO:0013302, OMIM 613550.
Meckel syndrome, type 3 (MKS3). Also called: MECKEL-GRUBER SYNDROME, TYPE 3. Identifiers: Orphanet 564, MedGen C1846357, MONDO:0011821, OMIM 607361.
COACH syndrome 1. Identifiers: Orphanet 1454, MedGen C5435651, MONDO:0800103, OMIM 216360, MONDO:0008996.
Bardet-Biedl syndrome 14 (BBS14). Identifiers: Orphanet 110, MedGen C2673874, MONDO:0014442, OMIM 615991.
Joubert syndrome. Also called: CEREBELLOPARENCHYMAL DISORDER IV; JOUBERT-BOLTSHAUSER SYNDROME; Familial aplasia of the vermis. Identifiers: Orphanet 475, MedGen C5979921, MONDO:0018772.
Meckel-Gruber syndrome. Also called: DYSENCEPHALIA SPLANCHNOCYSTICA; Dysencephalia splachnocystica; GRUBER SYNDROME. Identifiers: Orphanet 564, MedGen C0265215, MONDO:0018921.

Allele frequency attached by ClinVar (database versions not stated): gnomAD 0.00001.
gnomAD v4.1: 6 of 1,524,330 alleles (0.00039%); highest among the groups gnomAD compares: East Asian, 0.0023%; no homozygotes.

Submissions (3):

Labcorp Genetics (formerly Invitae), Labcorp
Classification: Pathogenic for Joubert syndrome; Meckel-Gruber syndrome. Last evaluated: 2022-12-31. Review status: criteria provided, single submitter. Criteria: Invitae Variant Classification Sherloc (09022015). Collection method: clinical testing. Allele origin: germline.
Comment: This sequence change falls in intron 2 of the TMEM67 gene. It does not directly change the encoded amino acid sequence of the TMEM67 protein. RNA analysis indicates that this variant induces altered splicing and may result in an absent or disrupted protein product. For these reasons, this variant has been classified as Pathogenic. Variants that disrupt the consensus splice site are a relatively common cause of aberrant splicing (PMID: 17576681, 9536098). Studies have shown that this variant results in skipping of exon 2 and introduces a premature termination codon (PMID: 27434533). The resulting mRNA is expected to undergo nonsense-mediated decay. ClinVar contains an entry for this variant (Variation ID: 1380). This variant has been observed in individual(s) with Joubert syndrome (PMID: 19058225, 27434533). In at least one individual the data is consistent with being in trans (on the opposite chromosome) from a pathogenic variant. This variant is not present in population databases (gnomAD no frequency).

Fulgent Genetics
Classification: Pathogenic for COACH syndrome 1; RHYNS syndrome; Meckel syndrome, type 3; Joubert syndrome 6; Nephronophthisis 11; Bardet-Biedl syndrome 14. Last evaluated: 2022-03-24. Review status: criteria provided, single submitter. Criteria: ACMG Guidelines, 2015. Collection method: clinical testing. Allele origin: unknown.

OMIM
Classification: Pathogenic for COACH SYNDROME. Last evaluated: 2009-02-01. Review status: no assertion criteria provided. Collection method: literature only. Allele origin: germline. Not counted in ClinVar's aggregate classification.

Literature cited by the submitters: PubMed 17576681 (cited by Labcorp Genetics (formerly Invitae), Labcorp); PubMed 9536098 (cited by Labcorp Genetics (formerly Invitae), Labcorp); PubMed 27434533 (cited by Labcorp Genetics (formerly Invitae), Labcorp); PubMed 19058225 (cited by Labcorp Genetics (formerly Invitae), Labcorp and OMIM).

NM_153704.6(TMEM67):c.312+5G>A

Gene: TMEM67 (transmembrane protein 67; plus strand). Cytogenetic location: 8q22.1.
Variant type: single nucleotide variant.
Coding change: c.312+5G>A on transcript NM_153704.6 (MANE Select); 5 bases into the intron after coding-DNA position 312, G replaced by A.
Molecular consequence: intron variant.
Genome position (GRCh38, 1-based): chr8:93,755,871, G>A. VCF-style: chr8-93755871-G-A. GRCh37 (hg19) VCF-style: chr8-94768099-G-A.
Other names: IVS2DS, G-A, +5; c.-62+734G>A (NM_001142301.1).
Identifiers: ClinVar variation 1380 (VCV000001380.9), dbSNP rs786200868, ClinGen allele CA212770.
Genomic context (GRCh38, chr8:93,755,871, plus strand): 5'-TGATCTCTAATAATGGAGGACCTGCTATTATTTGTAAAAAGTGCCCAGAAAACATGGTGC[G>A]CATAATTTATTTTAAAATAACTTACCTGTAAAAAGTAGTAAGTTAAATATCTTTATTTTT-3'